The following is an entry in ClinVar:

ClinVar aggregate classification (germline): Uncertain significance (1 of 4 stars; one submission).

Conditions:
Inborn genetic diseases. Identifiers: MedGen C0950123, MeSH D030342.

Submission:

Ambry Genetics
Classification: Uncertain significance for Inborn genetic diseases. Last evaluated: 2026-01-25. Review status: criteria provided, single submitter. Criteria: Ambry Variant Classification Scheme 2023. Collection method: clinical testing. Allele origin: germline.
Comment: The p.A777T variant (also known as c.2329G>A), located in coding exon 20 of the KDM1A gene, results from a G to A substitution at nucleotide position 2329. The alanine at codon 777 is replaced by threonine, an amino acid with similar properties. This amino acid position is conserved. In addition, this alteration is predicted to be tolerated by in silico analysis. Based on the available evidence, the clinical significance of this variant remains unclear.

NM_001009999.3(KDM1A):c.2329G>A (p.Ala777Thr)

Gene: KDM1A (lysine demethylase 1A; plus strand). Cytogenetic location: 1p36.12.
Variant type: single nucleotide variant.
Coding change: c.2329G>A on transcript NM_001009999.3 (MANE Select); coding-DNA position 2329, G replaced by A.
Protein change: p.Ala777Thr; replaces alanine 777 with threonine.
Molecular consequence: missense variant.
Genome position (GRCh38, 1-based): chr1:23,082,250, G>A. VCF-style: chr1-23082250-G-A. GRCh37 (hg19) VCF-style: chr1-23408743-G-A.
Other names: c.2275G>A, p.Ala759Thr (NM_001363654.2); c.2335G>A, p.Ala779Thr (NM_001410762.1); c.2257G>A, p.Ala753Thr (NM_001410763.1, NM_015013.4); short protein forms A753T, A779T, A759T, A777T.
Identifiers: ClinVar variation 4844701 (VCV004844701.1).